The following is an entry in ClinVar:

NM_001184.4(ATR):c.1722T>G (p.Ile574Met)

Gene: ATR (ATR checkpoint kinase; minus strand). Cytogenetic location: 3q23.
Variant type: single nucleotide variant.
Coding change: c.1722T>G on transcript NM_001184.4 (MANE Select); coding-DNA position 1722, T replaced by G.
Protein change: p.Ile574Met; replaces isoleucine 574 with methionine.
Molecular consequence: missense variant.
Genome position (GRCh38, 1-based): chr3:142,559,261, A>C on the plus strand (T>G on the coding strand, the complement: ATR is on the minus strand). VCF-style: chr3-142559261-A-C. GRCh37 (hg19) VCF-style: chr3-142278103-A-C.
Other names: c.1530T>G, p.Ile510Met (NM_001354579.2); short protein forms I510M, I574M.
Identifiers: ClinVar variation 1778806 (VCV001778806.2), dbSNP rs756790263, ClinGen allele CA2650537.

ClinVar aggregate classification (germline): Uncertain significance (1 of 4 stars; one submission).

Conditions:
Inborn genetic diseases. Identifiers: MedGen C0950123, MeSH D030342.

Allele frequency attached by ClinVar (database versions not stated): gnomAD exomes below 0.00001; gnomAD 0.00001; ExAC 0.00002.
gnomAD v4.1: 3 of 1,613,440 alleles (0.00019%); highest among the groups gnomAD compares: Non-Finnish European, 0.000085%; no homozygotes.

Submission:

Ambry Genetics
Classification: Uncertain significance for Inborn genetic diseases. Last evaluated: 2022-04-24. Review status: criteria provided, single submitter. Criteria: Ambry Variant Classification Scheme 2023. Collection method: clinical testing. Allele origin: germline.
Comment: The p.I574M variant (also known as c.1722T>G), located in coding exon 7 of the ATR gene, results from a T to G substitution at nucleotide position 1722. The isoleucine at codon 574 is replaced by methionine, an amino acid with highly similar properties. This amino acid position is conserved. In addition, this alteration is predicted to be tolerated by in silico analysis. Since supporting evidence is limited at this time, the clinical significance of this alteration remains unclear.